The following is an entry in ClinVar:

NM_206933.4(USH2A):c.3752T>C (p.Met1251Thr)

Genes: USH2A (usherin; minus strand), USH2A-AS1 (USH2A antisense RNA 1; plus strand). Cytogenetic location: 1q41.
Variant type: single nucleotide variant.
Coding change: c.3752T>C on transcript NM_206933.4 (MANE Select); coding-DNA position 3752, T replaced by C.
Protein change: p.Met1251Thr; replaces methionine 1251 with threonine.
Molecular consequence: missense variant.
Genome position (GRCh38, 1-based): chr1:216,199,686, A>G on the plus strand (T>C on the coding strand, the complement: USH2A is on the minus strand). VCF-style: chr1-216199686-A-G. GRCh37 (hg19) VCF-style: chr1-216373028-A-G.
Other names: c.3752T>C, p.Met1251Thr (NM_007123.6); short protein forms M1251T.
Identifiers: ClinVar variation 2136096 (VCV002136096.1), dbSNP rs1327037827, ClinGen allele CA344867765.

ClinVar aggregate classification (germline): Uncertain significance (1 of 4 stars; one submission).

Allele frequency attached by ClinVar (database versions not stated): TOPMed below 0.00001; gnomAD exomes 0.00001.

Submission:

GeneDx
Classification: Uncertain significance. Last evaluated: 2022-07-19. Review status: criteria provided, single submitter. Criteria: GeneDx Variant Classification Process June 2021. Collection method: clinical testing. Allele origin: germline. Affected: yes.
Comment: Not observed at significant frequency in large population cohorts (gnomAD); In silico analysis supports that this missense variant does not alter protein structure/function; Has not been previously published as pathogenic or benign to our knowledge